The following is an entry in ClinVar:

ClinVar aggregate classification (germline): Uncertain significance (1 of 4 stars; one submission).

Conditions:
Benign neonatal seizures. Also called: Benign familial neonatal seizures; Benign familial neonatal epilepsy; Benign neonatal familial convulsions; Convulsions benign familial neonatal dominant form; Autosomal dominant form of benign neonatal seizures. Identifiers: Orphanet 1949, MedGen C0220669, MONDO:0016027.

Allele frequency attached by ClinVar (database versions not stated): gnomAD exomes below 0.00001.
gnomAD v4.1: 1 of 1,609,242 alleles (0.000062%); highest among the groups gnomAD compares: South Asian, 0.0011%; no homozygotes.

Submission:

Labcorp Genetics (formerly Invitae), Labcorp
Classification: Uncertain significance for Benign neonatal seizures. Last evaluated: 2023-11-04. Review status: criteria provided, single submitter. Criteria: Invitae Variant Classification Sherloc (09022015). Collection method: clinical testing. Allele origin: germline.
Comment: This sequence change replaces glutamine, which is neutral and polar, with proline, which is neutral and non-polar, at codon 83 of the KCNQ3 protein (p.Gln83Pro). This variant is not present in population databases (gnomAD no frequency). This variant has not been reported in the literature in individuals affected with KCNQ3-related conditions. Advanced modeling of protein sequence and biophysical properties (such as structural, functional, and spatial information, amino acid conservation, physicochemical variation, residue mobility, and thermodynamic stability) performed at Invitae indicates that this missense variant is not expected to disrupt KCNQ3 protein function with a negative predictive value of 95%. In summary, the available evidence is currently insufficient to determine the role of this variant in disease. Therefore, it has been classified as a Variant of Uncertain Significance.

NM_004519.4(KCNQ3):c.248A>C (p.Gln83Pro)

Gene: KCNQ3 (potassium voltage-gated channel subfamily Q member 3; minus strand). Cytogenetic location: 8q24.22.
Variant type: single nucleotide variant.
Coding change: c.248A>C on transcript NM_004519.4 (MANE Select); coding-DNA position 248, A replaced by C.
Protein change: p.Gln83Pro; replaces glutamine 83 with proline.
Molecular consequence: missense variant.
Genome position (GRCh38, 1-based): chr8:132,480,285, T>G on the plus strand (A>C on the coding strand, the complement: KCNQ3 is on the minus strand). VCF-style: chr8-132480285-T-G. GRCh37 (hg19) VCF-style: chr8-133492532-T-G.
Other names: short protein forms Q83P.
Identifiers: ClinVar variation 2693119 (VCV002693119.3), dbSNP rs2537398238, ClinGen allele CA372292604.